The following is an entry in ClinVar:

NM_012401.4(PLXNB2):c.2651C>T (p.Ser884Leu)

Gene: PLXNB2 (plexin B2; minus strand). Cytogenetic location: 22q13.33.
Variant type: single nucleotide variant.
Coding change: c.2651C>T on transcript NM_012401.4 (MANE Select); coding-DNA position 2651, C replaced by T.
Protein change: p.Ser884Leu; replaces serine 884 with leucine.
Molecular consequence: missense variant.
Genome position (GRCh38, 1-based): chr22:50,283,365, G>A on the plus strand (C>T on the coding strand, the complement: PLXNB2 is on the minus strand). VCF-style: chr22-50283365-G-A. GRCh37 (hg19) VCF-style: chr22-50721794-G-A.
Other names: c.2651C>T, p.Ser884Leu (NM_001376864.1, NM_001376875.1, NM_001376876.1 and 18 more transcripts); c.2720C>T, p.Ser907Leu (NM_001376865.1); c.2558C>T, p.Ser853Leu (NM_001376886.1); short protein forms S853L, S884L, S907L.
Identifiers: ClinVar variation 4278638 (VCV004278638.1).

ClinVar aggregate classification (germline): Uncertain significance (1 of 4 stars; one submission).

gnomAD v4.1: 7 of 1,613,044 alleles (0.00043%); highest among the groups gnomAD compares: Non-Finnish European, 0.00059%; no homozygotes.

Submission:

GeneDx
Classification: Uncertain significance. Last evaluated: 2024-12-03. Review status: criteria provided, single submitter. Criteria: GeneDx Variant Classification Process June 2021. Collection method: clinical testing. Allele origin: germline. Affected: yes.
Comment: In silico analysis supports that this missense variant has a deleterious effect on protein structure/function; Has not been previously published as pathogenic or benign to our knowledge; Variants in candidate genes are classified as variants of uncertain significance in accordance with ACMG guidelines (PMID: 25741868)